The following is an entry in ClinVar:

ClinVar aggregate classification (germline): Conflicting classifications of pathogenicity. Review status: criteria provided, conflicting classifications (1 of 4 stars). 3 submissions from 3 submitters: Uncertain significance (2); Likely benign (1). Last evaluated 2024-12-21.

Allele frequency attached by ClinVar (database versions not stated): gnomAD exomes below 0.00001 and 0.00001; ExAC 0.00001; gnomAD 0.00001.
gnomAD v4.1: 6 of 1,606,478 alleles (0.00037%); highest among the groups gnomAD compares: Middle Eastern, 0.033%; no homozygotes.

Submissions (3):

Labcorp Genetics (formerly Invitae), Labcorp
Classification: Likely benign. Last evaluated: 2024-12-21. Review status: criteria provided, single submitter. Criteria: Invitae Variant Classification Sherloc (09022015). Collection method: clinical testing. Allele origin: germline.

GeneDx
Classification: Uncertain significance. Last evaluated: 2019-09-27. Review status: criteria provided, single submitter. Criteria: GeneDx Variant Classification Process June 2021. Collection method: clinical testing. Allele origin: germline. Affected: yes.
Comment: Has not been previously published as pathogenic or benign to our knowledge; Reported in ClinVar as a variant of uncertain significance (ClinVar Variant ID# 281438; Landrum et al., 2016); In silico analysis supports that this missense variant has a deleterious effect on protein structure/function

Eurofins Ntd Llc (ga)
Classification: Uncertain significance. Last evaluated: 2015-06-18. Review status: criteria provided, single submitter. Criteria: EGL Classification Definitions 2015. Collection method: clinical testing. Allele origin: germline. Observed: 1 variant allele, 1 heterozygote.

NM_001854.4(COL11A1):c.3650C>T (p.Pro1217Leu)

Gene: COL11A1 (collagen type XI alpha 1 chain; minus strand). Cytogenetic location: 1p21.1.
Variant type: single nucleotide variant.
Coding change: c.3650C>T on transcript NM_001854.4 (MANE Select); coding-DNA position 3650, C replaced by T.
Protein change: p.Pro1217Leu; replaces proline 1217 with leucine.
Molecular consequence: missense variant. On other transcripts: non-coding transcript variant (1).
Genome position (GRCh38, 1-based): chr1:102,923,340, G>A on the plus strand (C>T on the coding strand, the complement: COL11A1 is on the minus strand). VCF-style: chr1-102923340-G-A. GRCh37 (hg19) VCF-style: chr1-103388896-G-A.
Other names: c.3533C>T, p.Pro1178Leu (NM_001190709.2); c.3686C>T, p.Pro1229Leu (NM_080629.3); c.3302C>T, p.Pro1101Leu (NM_080630.4); short protein forms P1229L, P1217L, P1178L, P1101L.
Identifiers: ClinVar variation 281438 (VCV000281438.11), dbSNP rs753649097, ClinGen allele CA973918.
Genomic context (GRCh38, chr1:102,923,340, plus strand): 5'-CAGTGACTGCCATGCATATAACACATACCCATCAAACACCAAAAATAAAAACTTACCATG[G>A]GACCAACATCCCCATTTTCACCTTTTTCACCAGGTGGGCCTGGCAGACCCTAAGAAAATA-3'
Protein context (NP_001845.3, residues 1207-1227): GEKGENGDVG[Pro1217Leu]MGPPGPPGPR